The following is an entry in ClinVar:

NM_006204.4(PDE6C):c.1921_1922del (p.Leu641fs)

Gene: PDE6C (phosphodiesterase 6C; plus strand). Cytogenetic location: 10q23.33.
Variant type: Microsatellite.
Coding change: c.1921_1922del on transcript NM_006204.4 (MANE Select); coding-DNA positions 1921 to 1922, 2 bases deleted (CT; older notation c.1921_1922delCT).
Protein change: p.Leu641fs; shifts the reading frame from leucine 641.
Molecular consequence: frameshift variant.
Genome position (GRCh38, 1-based): chr10:93,646,033-93,646,034, CT deleted; deleting any 2 consecutive bases within chr10:93,646,031-93,646,034 gives the same sequence; the c. name uses the placement nearest the transcript's 3' end. VCF-style (leftmost placement, unchanged base first): chr10-93646030-ACT-A. GRCh37 (hg19) VCF-style: chr10-95405787-ACT-A.
Other names: short protein forms L641fs.
Identifiers: ClinVar variation 1351127 (VCV001351127.6), dbSNP rs2134617509, ClinGen allele CA2580615621.
Genomic context (GRCh38, chr10:93,646,030, plus strand): 5'-CCATTAGCAAGACTTCATGGTTCTTCTATTTTGGAGAGGCACCACCTGGAGTACAGTAAG[ACT>A]CTGTTGCAGGATGAGGTACGTAAACCTCTCTTTAGGACAGCTAAACACAAATTCTGGATC-3'

ClinVar aggregate classification (germline): Pathogenic (1 of 4 stars; one submission).

Submission:

Labcorp Genetics (formerly Invitae), Labcorp
Classification: Pathogenic. Last evaluated: 2026-01-05. Review status: criteria provided, single submitter. Criteria: Invitae Variant Classification Sherloc (09022015). Collection method: clinical testing. Allele origin: germline.
Comment: This sequence change creates a premature translational stop signal (p.Leu641Valfs*4) in the PDE6C gene. It is expected to result in an absent or disrupted protein product. Loss-of-function variants in PDE6C are known to be pathogenic (PMID: 19887631, 23776498, 26103963, 30080950). This variant is not present in population databases (gnomAD no frequency). This variant has not been reported in the literature in individuals affected with PDE6C-related conditions. For these reasons, this variant has been classified as Pathogenic.

Literature cited by the submitters: PubMed 19887631; PubMed 23776498; PubMed 26103963; PubMed 30080950.